The following is an entry in ClinVar:

NM_001033057.2(MAGI1):c.782A>G (p.His261Arg)

Gene: MAGI1 (membrane associated guanylate kinase, WW and PDZ domain containing 1; minus strand). Cytogenetic location: 3p14.1.
Variant type: single nucleotide variant.
Coding change: c.782A>G on transcript NM_001033057.2 (MANE Select); coding-DNA position 782, A replaced by G.
Protein change: p.His261Arg; replaces histidine 261 with arginine.
Molecular consequence: missense variant.
Genome position (GRCh38, 1-based): chr3:65,470,460, T>C on the plus strand (A>G on the coding strand, the complement: MAGI1 is on the minus strand). VCF-style: chr3-65470460-T-C. GRCh37 (hg19) VCF-style: chr3-65456135-T-C.
Other names: c.785A>G, p.His262Arg (NM_001365903.2, NM_001365904.2, NM_001365905.1); c.782A>G, p.His261Arg (NM_004742.3, NM_015520.2); short protein forms H261R, H262R.
Identifiers: ClinVar variation 2653952 (VCV002653952.24), dbSNP rs113860090, ClinGen allele CA2483215.
Genomic context (GRCh38, chr3:65,470,460, plus strand): 5'-GTGATGGGAGCAGCGATGATGCTACTATTCACAGGTGGTAATGCTGTTTCTTGGAGAGTG[T>C]GCTCCTCTTGTTCACCAGAATCGGCTGCTTAATCATGTGAAGAGGTGAGAGAGAGAGAGA-3'
Protein context (NP_001028229.1, residues 251-271): FTADSGEQEE[His261Arg]TLQETALPPV

ClinVar aggregate classification (germline): Likely benign (1 of 4 stars; one submission).

Allele frequency attached by ClinVar (database versions not stated): 1000 Genomes Project 0.00220; 1000 Genomes Project 30x 0.00281; TOPMed 0.00582; gnomAD 0.00692; ExAC 0.00707; gnomAD exomes 0.00813; ESP Exome Variant Server 0.00846.
gnomAD v4.1: 12,872 of 1,612,650 alleles (0.8%); highest among the groups gnomAD compares: Non-Finnish European, 0.9%; 72 homozygotes.

Submission:

CeGaT Center for Human Genetics Tuebingen
Classification: Likely benign. Last evaluated: 2023-03-01. Review status: criteria provided, single submitter. Criteria: CeGaT Center For Human Genetics Tuebingen Variant Classification Criteria Version 2. Collection method: clinical testing. Allele origin: germline. Affected: yes. Observed: 4 variant alleles.
Comment: MAGI1: BP4, BS2